The following is an entry in ClinVar:

ClinVar aggregate classification (germline): Uncertain significance (1 of 4 stars; one submission).

Conditions:
Charcot-Marie-Tooth disease type 2. Also called: Charcot-Marie-Tooth type 2. Identifiers: Orphanet 64746, MedGen C0270914, MONDO:0018993.

Submission:

Labcorp Genetics (formerly Invitae), Labcorp
Classification: Uncertain significance for Charcot-Marie-Tooth disease type 2. Last evaluated: 2022-07-30. Review status: criteria provided, single submitter. Criteria: Invitae Variant Classification Sherloc (09022015). Collection method: clinical testing. Allele origin: germline.
Comment: In summary, the available evidence is currently insufficient to determine the role of this variant in disease. Therefore, it has been classified as a Variant of Uncertain Significance. Variants that disrupt the consensus splice site are a relatively common cause of aberrant splicing (PMID: 17576681, 9536098). Algorithms developed to predict the effect of sequence changes on RNA splicing suggest that this variant is not likely to affect RNA splicing. This variant has not been reported in the literature in individuals affected with GARS-related conditions. This variant is not present in population databases (gnomAD no frequency). This sequence change falls in intron 1 of the GARS gene. It does not directly change the encoded amino acid sequence of the GARS protein. It affects a nucleotide within the consensus splice site.

Literature cited by the submitters: PubMed 17576681; PubMed 9536098.

NM_002047.4(GARS1):c.222+6G>A

Gene: GARS1 (glycyl-tRNA synthetase 1; plus strand). Cytogenetic location: 7p14.3.
Variant type: single nucleotide variant.
Coding change: c.222+6G>A on transcript NM_002047.4 (MANE Select); 6 bases into the intron after coding-DNA position 222, G replaced by A.
Molecular consequence: intron variant.
Genome position (GRCh38, 1-based): chr7:30,595,149, G>A. VCF-style: chr7-30595149-G-A. GRCh37 (hg19) VCF-style: chr7-30634765-G-A.
Other names: c.60+6G>A (NM_001316772.1).
Identifiers: ClinVar variation 2020813 (VCV002020813.4), dbSNP rs2534281145, ClinGen allele CA2580077041.